The following is an entry in ClinVar:

NM_172107.4(KCNQ2):c.693G>C (p.Glu231Asp)

Gene: KCNQ2 (potassium voltage-gated channel subfamily Q member 2; minus strand). Cytogenetic location: 20q13.33.
Variant type: single nucleotide variant.
Coding change: c.693G>C on transcript NM_172107.4 (MANE Select); coding-DNA position 693, G replaced by C.
Protein change: p.Glu231Asp; replaces glutamic acid 231 with aspartic acid.
Molecular consequence: missense variant.
Genome position (GRCh38, 1-based): chr20:63,442,529, C>G on the plus strand (G>C on the coding strand, the complement: KCNQ2 is on the minus strand). VCF-style: chr20-63442529-C-G. GRCh37 (hg19) VCF-style: chr20-62073882-C-G.
Other names: c.693G>C, p.Glu231Asp (NM_004518.6, NM_172106.3, NM_172108.5 and 1 more transcripts); short protein forms E231D.
Identifiers: ClinVar variation 208761 (VCV000208761.10), dbSNP rs797044938, ClinGen allele CA204842.

ClinVar aggregate classification (germline): Pathogenic/Likely pathogenic. Review status: criteria provided, multiple submitters, no conflicts (2 of 4 stars). 2 submissions from 2 submitters: Pathogenic (1); Likely pathogenic (1). Last evaluated 2021-09-20.

Conditions:
Early-infantile DEE. Also called: Ohtahara syndrome; Early infantile epileptic encephalopathy; Early infantile epileptic encephalopathy with suppression bursts. Identifiers: Orphanet 1934, MedGen C0393706, MONDO:0800491.
Inborn genetic diseases. Identifiers: MedGen C0950123, MeSH D030342.

Submissions (2):

Labcorp Genetics (formerly Invitae), Labcorp
Classification: Likely pathogenic for Early-infantile DEE. Last evaluated: 2021-09-20. Review status: criteria provided, single submitter. Criteria: Invitae Variant Classification Sherloc (09022015). Collection method: clinical testing. Allele origin: germline.
Comment: In summary, the currently available evidence indicates that the variant is pathogenic, but additional data are needed to prove that conclusively. Therefore, this variant has been classified as Likely Pathogenic. Algorithms developed to predict the effect of missense changes on protein structure and function are either unavailable or do not agree on the potential impact of this missense change (SIFT: "Deleterious"; PolyPhen-2: "Possibly Damaging"; Align-GVGD: "Class C0"). ClinVar contains an entry for this variant (Variation ID: 208761). This missense change has been observed in individual(s) with neonatal onset epileptic encephalopathy (PMID: 26795593). In at least one individual the variant was observed to be de novo. This variant is not present in population databases (ExAC no frequency). This sequence change replaces glutamic acid with aspartic acid at codon 231 of the KCNQ2 protein (p.Glu231Asp). The glutamic acid residue is highly conserved and there is a small physicochemical difference between glutamic acid and aspartic acid.

Ambry Genetics
Classification: Pathogenic for Inborn genetic diseases. Last evaluated: 2015-04-08. Review status: criteria provided, single submitter. Criteria: Ambry exome assertion method (8-5-2015). Collection method: clinical testing. Allele origin: germline. Affected: yes. Observed: 1 variant allele.

Literature cited by the submitters: PubMed 26795593 (cited by Labcorp Genetics (formerly Invitae), Labcorp).